The following is an entry in ClinVar:

ClinVar aggregate classification (germline): Benign/Likely benign. Review status: criteria provided, multiple submitters, no conflicts (2 of 4 stars). 7 submissions from 7 submitters: Benign (3); Likely benign (4). Last evaluated 2026-01-28.

Conditions:
Autoinflammatory syndrome. Identifiers: Orphanet 93665, MedGen C3890737, MONDO:0019751.
Chédiak-Higashi syndrome (CHS). Also called: Chediak-Higashi Syndrome. Identifiers: Orphanet 167, MedGen C0007965, MONDO:0008963, OMIM 214500.

Allele frequency attached by ClinVar (database versions not stated): gnomAD exomes 0.00152; ExAC 0.00204; gnomAD 0.00549 and 0.00580; 1000 Genomes Project 0.00599; TOPMed 0.00608; 1000 Genomes Project 30x 0.00640; ESP Exome Variant Server 0.00654.
gnomAD v4.1: 1,884 of 1,614,082 alleles (0.12%); highest among the groups gnomAD compares: African/African-American, 1.8%; 27 homozygotes.

Submissions (9):

Labcorp Genetics (formerly Invitae), Labcorp
Classification: Benign for Chédiak-Higashi syndrome. Last evaluated: 2026-01-28. Review status: criteria provided, single submitter. Criteria: Invitae Variant Classification Sherloc (09022015). Collection method: clinical testing. Allele origin: germline.

Genomic Medicine Center of Excellence, King Faisal Specialist Hospital and Research Centre
Classification: Likely benign. Last evaluated: 2025-08-18. Review status: criteria provided, single submitter. Criteria: ACMG Guidelines, 2015. Collection method: clinical testing. Allele origin: germline.

Mayo Clinic Laboratories, Mayo Clinic
Classification: Benign. Last evaluated: 2024-04-25. Review status: criteria provided, single submitter. Criteria: ACMG Guidelines, 2015. Collection method: clinical testing. Allele origin: germline. Observed: 12 variant alleles.
Comment: BS1, BS2, BP4

Genome Diagnostics Laboratory, The Hospital for Sick Children
Classification: Likely benign for Autoinflammatory syndrome. Last evaluated: 2019-12-01. Review status: criteria provided, single submitter. Criteria: ACMG Guidelines, 2015. Collection method: clinical testing. Allele origin: germline. Affected: yes.

Illumina Laboratory Services, Illumina
Classification: Benign for Chédiak-Higashi syndrome. Last evaluated: 2018-01-13. Review status: criteria provided, single submitter. Criteria: ICSL Variant Classification Criteria 13 December 2019. Collection method: clinical testing. Allele origin: germline.
Comment: This variant was observed in the ICSL laboratory as part of a predisposition screen in an ostensibly healthy population. It had not been previously curated by ICSL or reported in the Human Gene Mutation Database (HGMD: prior to June 1st, 2018), and was therefore a candidate for classification through an automated scoring system. Utilizing variant allele frequency, disease prevalence and penetrance estimates, and inheritance mode, an automated score was calculated to assess if this variant is too frequent to cause the disease. Based on the score and internal cut-off values, a variant classified as benign is not then subjected to further curation. The score for this variant resulted in a classification of benign for this disease.

Breakthrough Genomics
Classification: Likely benign. Review status: criteria provided, single submitter. Criteria: ACMG Guidelines, 2015. Collection method: not provided. Allele origin: germline. Inheritance: Autosomal recessive inheritance. Affected: yes.

PreventionGenetics, part of Exact Sciences
Classification: Likely benign. Review status: criteria provided, single submitter. Criteria: ACMG Guidelines, 2015. Collection method: clinical testing. Allele origin: germline.

Dr. Peter K. Rogan Lab, Western University
No classification provided (evidence only). Condition: Hepatocellular carcinoma. Review status: no classification provided. Collection method: in vitro. Allele origin: not applicable. Functional consequence: retained intron. Not counted in ClinVar's aggregate classification.

Dr. Peter K. Rogan Lab, Western University
No classification provided (evidence only). Condition: Malignant tumor of esophagus. Review status: no classification provided. Collection method: in vitro. Allele origin: not applicable. Functional consequence: retained intron. Not counted in ClinVar's aggregate classification.

NM_000081.4(LYST):c.6812A>G (p.Asp2271Gly)

Gene: LYST (lysosomal trafficking regulator; minus strand). Cytogenetic location: 1q42.3.
Variant type: single nucleotide variant.
Coding change: c.6812A>G on transcript NM_000081.4 (MANE Select); coding-DNA position 6812, A replaced by G.
Protein change: p.Asp2271Gly; replaces aspartic acid 2271 with glycine.
Molecular consequence: missense variant.
Genome position (GRCh38, 1-based): chr1:235,759,041, T>C on the plus strand (A>G on the coding strand, the complement: LYST is on the minus strand). VCF-style: chr1-235759041-T-C. GRCh37 (hg19) VCF-style: chr1-235922341-T-C.
Other names: p.Asp2271Gly; c.6812A>G, p.Asp2271Gly (NM_001301365.1); short protein forms D2271G.
Identifiers: ClinVar variation 254934 (VCV000254934.22), dbSNP rs112601869, ClinGen allele CA1466304.